The following is an entry in ClinVar:

NM_007294.4(BRCA1):c.2912A>G (p.His971Arg)

Gene: BRCA1 (BRCA1 DNA repair associated; minus strand). Cytogenetic location: 17q21.31.
Variant type: single nucleotide variant.
Coding change: c.2912A>G on transcript NM_007294.4 (MANE Select); coding-DNA position 2912, A replaced by G.
Protein change: p.His971Arg; replaces histidine 971 with arginine.
Molecular consequence: missense variant. On other transcripts: intron variant (137).
Genome position (GRCh38, 1-based): chr17:43,092,619, T>C on the plus strand (A>G on the coding strand, the complement: BRCA1 is on the minus strand). VCF-style: chr17-43092619-T-C. GRCh37 (hg19) VCF-style: chr17-41244636-T-C.
Other names: c.2771A>G, p.His924Arg (NM_001407725.1, NM_001407726.1, NM_001407737.1 and 29 more transcripts); c.2768A>G, p.His923Arg (NM_001407740.1, NM_001407741.1, NM_001407742.1 and 20 more transcripts); c.2708A>G, p.His903Arg (NM_001407874.1, NM_001407875.1); c.2702A>G, p.His901Arg (NM_001407879.1, NM_001407881.1, NM_001407882.1 and 13 more transcripts); c.2699A>G, p.His900Arg (NM_001407915.1, NM_001407916.1, NM_001407917.1 and 9 more transcripts); c.2648A>G, p.His883Arg (NM_001407929.1, NM_001407933.1, NM_001407935.1 and 9 more transcripts); c.2645A>G, p.His882Arg (NM_001407930.1, NM_001407931.1, NM_001407932.1 and 2 more transcripts); c.2789A>G, p.His930Arg (NM_001407937.1, NM_001407674.1, NM_001407675.1 and 19 more transcripts); and 41 more; short protein forms H971R, H924R, H803R, H883R, H901R, H903R, H675R, H844R.
Identifiers: ClinVar variation 628452 (VCV000628452.25), dbSNP rs1567793641, ClinGen allele CA10596168.

ClinVar aggregate classification (germline): Benign. Review status: reviewed by expert panel (3 of 4 stars). 6 submissions from 6 submitters: Benign (1). 5 of the submissions do not count toward it. Last evaluated 2019-06-18.

Conditions:
Hereditary cancer-predisposing syndrome. Also called: Hereditary neoplastic syndrome; Tumor predisposition; Hereditary Cancer Syndrome; Neoplastic Syndromes, Hereditary. Identifiers: Orphanet 140162, MedGen C0027672, MeSH D009386, MONDO:0015356.
Hereditary breast ovarian cancer syndrome. Also called: Hereditary breast and ovarian cancer syndrome (HBOC); Hereditary breast and ovarian cancer; BRCA1- and BRCA2-Associated Hereditary Breast and Ovarian Cancer; Breast and ovarian cancer; Hereditary breast and ovarian cancer syndrome; Hereditary breast and/or ovarian cancer syndrome. Identifiers: Orphanet 145, MedGen C0677776, MeSH D061325, MONDO:0003582. Disease mechanism: loss of function.
Breast-ovarian cancer, familial, susceptibility to, 1 (BROVCA1). Also called: OVARIAN CANCER, SUSCEPTIBILITY TO; BRCA1 Hereditary Breast and Ovarian Cancer. Identifiers: Orphanet 145, MedGen C2676676, MONDO:0011450, OMIM 604370. Disease mechanism: loss of function.
BRCA1-related cancer predisposition. Identifiers: MedGen CN377757, MONDO:0700268.

Submissions (6):

Evidence-based Network for the Interpretation of Germline Mutant Alleles (ENIGMA)
Classification: Benign for Breast-ovarian cancer, familial, susceptibility to, 1. Last evaluated: 2019-06-18. Review status: reviewed by expert panel. Criteria: ENIGMA BRCA1/2 Classification Criteria (2017-06-29). Collection method: curation. Allele origin: germline.
Comment: IARC class based on posterior probability from multifactorial likelihood analysis, thresholds for class as per Plon et al. 2008 (PMID: 18951446). Class 1 based on posterior probability = 0.000194

Labcorp Genetics (formerly Invitae), Labcorp
Classification: Likely benign for Hereditary breast ovarian cancer syndrome. Last evaluated: 2025-10-23. Review status: criteria provided, single submitter. Criteria: Invitae Variant Classification Sherloc (09022015). Collection method: clinical testing. Allele origin: germline. Not counted in ClinVar's aggregate classification.

Ambry Genetics
Classification: Uncertain significance for Hereditary cancer-predisposing syndrome. Last evaluated: 2024-11-14. Review status: criteria provided, single submitter. Criteria: Ambry Variant Classification Scheme 2023. Collection method: clinical testing. Allele origin: germline. Not counted in ClinVar's aggregate classification.
Comment: The p.H971R variant (also known as c.2912A>G), located in coding exon 9 of the BRCA1 gene, results from an A to G substitution at nucleotide position 2912. The histidine at codon 971 is replaced by arginine, an amino acid with highly similar properties. This amino acid position is not well conserved in available vertebrate species. In addition, the in silico prediction for this alteration is inconclusive. Based on the available evidence, the clinical significance of this variant remains unclear.

All of Us Research Program, National Institutes of Health
Classification: Uncertain significance for BRCA1-related cancer predisposition. Last evaluated: 2024-05-30. Review status: criteria provided, single submitter. Criteria: ACMG Guidelines, 2015. Collection method: clinical testing. Allele origin: germline. Inheritance: Autosomal dominant inheritance. Observed: 1 variant allele, 1 heterozygote. Not counted in ClinVar's aggregate classification.
Comment: This missense variant replaces histidine with arginine at codon 971 of the BRCA1 protein. Computational prediction suggests that this variant may not impact protein structure and function. To our knowledge, functional studies have not been reported for this variant. This variant has been detected in a breast cancer case-control meta-analysis in 2/60466 cases and 0/53461 unaffected individuals (PMID: 33471991; Leiden Open Variation Database DB-ID BRCA1_002944). A multifactorial analysis has reported likelihood ratios for pathogenicity based on segregation and tumor pathology of 1.937 and 0.0049, respectively (PMID: 31131967). This variant has not been identified in the general population by the Genome Aggregation Database (gnomAD). The available evidence is insufficient to determine the role of this variant in disease conclusively. Therefore, this variant is classified as a Variant of Uncertain Significance.

This study involves interpretation of variants in research participants for the purpose of population health screening. Participant phenotype was not available at the time of variant classification. Additional details can be found in publication PMID: 35346344, PMCID: PMC8962531

Color Diagnostics, LLC DBA Color Health
Classification: Uncertain significance for Hereditary cancer-predisposing syndrome. Last evaluated: 2024-05-14. Review status: criteria provided, single submitter. Criteria: ACMG Guidelines, 2015. Collection method: clinical testing. Allele origin: germline. Not counted in ClinVar's aggregate classification.
Comment: This missense variant replaces histidine with arginine at codon 971 of the BRCA1 protein. Computational prediction suggests that this variant may not impact protein structure and function. To our knowledge, functional studies have not been reported for this variant. This variant has been detected in a breast cancer case-control meta-analysis in 2/60466 cases and 0/53461 unaffected individuals (PMID: 33471991; Leiden Open Variation Database DB-ID BRCA1_002944). A multifactorial analysis has reported likelihood ratios for pathogenicity based on segregation and tumor pathology of 1.937 and 0.0049, respectively (PMID: 31131967). This variant has not been identified in the general population by the Genome Aggregation Database (gnomAD). The available evidence is insufficient to determine the role of this variant in disease conclusively. Therefore, this variant is classified as a Variant of Uncertain Significance.

GeneDx
Classification: Uncertain significance. Last evaluated: 2020-04-29. Review status: criteria provided, single submitter. Criteria: GeneDx Variant Classification Process June 2021. Collection method: clinical testing. Allele origin: germline. Affected: yes. Not counted in ClinVar's aggregate classification.
Comment: Observed in individuals with breast cancer (Briceno-Balcazar 2017); Not observed in large population cohorts (Lek 2016); In silico analysis supports that this missense variant has a deleterious effect on protein structure/function; Also known as 3031A>G or G3031A; This variant is associated with the following publications: (PMID: 31131967, 29021639, 26727311)

Literature cited by the submitters: PubMed 31131967 (cited by 3 submitters); PubMed 33471991 (cited by All of Us Research Program, National Institutes of Health and Color Diagnostics, LLC DBA Color Health).